The following is an entry in ClinVar:

ClinVar aggregate classification (germline): Uncertain significance (1 of 4 stars; one submission).

Allele frequency attached by ClinVar (database versions not stated): gnomAD exomes 0.00003; 1000 Genomes Project 30x 0.00031; TOPMed 0.00037; ESP Exome Variant Server 0.00046; ExAC 0.00014; gnomAD 0.00034; 1000 Genomes Project 0.00040.
gnomAD v4.1: 99 of 1,614,096 alleles (0.0061%); highest among the groups gnomAD compares: African/African-American, 0.13%; no homozygotes.

Submission:

Labcorp Genetics (formerly Invitae), Labcorp
Classification: Uncertain significance. Last evaluated: 2024-08-30. Review status: criteria provided, single submitter. Criteria: Invitae Variant Classification Sherloc (09022015). Collection method: clinical testing. Allele origin: germline.
Comment: This sequence change replaces aspartic acid, which is acidic and polar, with glutamic acid, which is acidic and polar, at codon 237 of the SC5D protein (p.Asp237Glu). This variant is present in population databases (rs141293946, gnomAD 0.1%). This variant has not been reported in the literature in individuals affected with SC5D-related conditions. ClinVar contains an entry for this variant (Variation ID: 2071013). Invitae Evidence Modeling of protein sequence and biophysical properties (such as structural, functional, and spatial information, amino acid conservation, physicochemical variation, residue mobility, and thermodynamic stability) indicates that this missense variant is not expected to disrupt SC5D protein function with a negative predictive value of 80%. In summary, the available evidence is currently insufficient to determine the role of this variant in disease. Therefore, it has been classified as a Variant of Uncertain Significance.

NM_006918.5(SC5D):c.711C>G (p.Asp237Glu)

Gene: SC5D (sterol-C5-desaturase; plus strand). Cytogenetic location: 11q24.1.
Variant type: single nucleotide variant.
Coding change: c.711C>G on transcript NM_006918.5 (MANE Select); coding-DNA position 711, C replaced by G.
Protein change: p.Asp237Glu; replaces aspartic acid 237 with glutamic acid.
Molecular consequence: missense variant.
Genome position (GRCh38, 1-based): chr11:121,307,323, C>G. VCF-style: chr11-121307323-C-G. GRCh37 (hg19) VCF-style: chr11-121178032-C-G.
Other names: c.711C>G, p.Asp237Glu (NM_001024956.3); short protein forms D237E.
Identifiers: ClinVar variation 2071013 (VCV002071013.4), dbSNP rs141293946, ClinGen allele CA6328221.
Genomic context (GRCh38, chr11:121,307,323, plus strand): 5'-AATCTTACAGCCATTTATTAATGGCTCAGCTCATCATACAGACCACCATATGTTCTTTGA[C>G]TATAATTATGGACAATATTTCACTTTGTGGGATAGGATTGGCGGCTCATTCAAAAATCCT-3'
Protein context (NP_008849.2, residues 227-247): AHHTDHHMFF[Asp237Glu]YNYGQYFTLW